The following is an entry in ClinVar:

ClinVar aggregate classification (germline): Conflicting classifications of pathogenicity. Review status: criteria provided, conflicting classifications (1 of 4 stars). 5 submissions from 5 submitters: Uncertain significance (4); Likely benign (1). Last evaluated 2025-11-05.

Conditions:
Hereditary cancer-predisposing syndrome. Also called: Hereditary Cancer Syndrome; Neoplastic Syndromes, Hereditary; Hereditary neoplastic syndrome; Tumor predisposition. Identifiers: Orphanet 140162, MedGen C0027672, MeSH D009386, MONDO:0015356.
Hereditary breast ovarian cancer syndrome. Also called: BRCA1- and BRCA2-Associated Hereditary Breast and Ovarian Cancer; Hereditary breast and ovarian cancer syndrome; Hereditary breast and/or ovarian cancer syndrome; Breast and ovarian cancer; Hereditary breast and ovarian cancer; Hereditary breast and ovarian cancer syndrome (HBOC). Identifiers: Orphanet 145, MedGen C0677776, MeSH D061325, MONDO:0003582. Disease mechanism: loss of function.

Allele frequency attached by ClinVar (database versions not stated): TOPMed below 0.00001.
gnomAD v4.1: 2 of 1,611,348 alleles (0.00012%); highest among the groups gnomAD compares: Non-Finnish European, 0.00017%; no homozygotes.

Submissions (5):

Labcorp Genetics (formerly Invitae), Labcorp
Classification: Uncertain significance for Hereditary breast ovarian cancer syndrome. Last evaluated: 2025-11-05. Review status: criteria provided, single submitter. Criteria: Invitae Variant Classification Sherloc (09022015). Collection method: clinical testing. Allele origin: germline.
Comment: This sequence change replaces lysine, which is basic and polar, with arginine, which is basic and polar, at codon 1875 of the BRCA2 protein (p.Lys1875Arg). This variant is not present in population databases (gnomAD no frequency). This variant has not been reported in the literature in individuals affected with BRCA2-related conditions. ClinVar contains an entry for this variant (Variation ID: 142607). Invitae Evidence Modeling of protein sequence and biophysical properties (such as structural, functional, and spatial information, amino acid conservation, physicochemical variation, residue mobility, and thermodynamic stability) indicates that this missense variant is not expected to disrupt BRCA2 protein function with a negative predictive value of 95%. In summary, the available evidence is currently insufficient to determine the role of this variant in disease. Therefore, it has been classified as a Variant of Uncertain Significance.

Color Diagnostics, LLC DBA Color Health
Classification: Uncertain significance for Hereditary cancer-predisposing syndrome. Last evaluated: 2025-02-24. Review status: criteria provided, single submitter. Criteria: ACMG Guidelines, 2015. Collection method: clinical testing. Allele origin: germline.
Comment: This missense variant replaces lysine with arginine at codon 1875 of the BRCA2 protein. Computational prediction suggests that this variant may not impact protein structure and function. To our knowledge, functional studies have not been reported for this variant. This variant has been reported in an individual from a population control cohort (not selected for cancer) and in an individual affected with ovarian cancer who also has a pathogenic MSH6 nonsense variant (PMID: 34235180, 37013556). This variant has not been identified in the general population by the Genome Aggregation Database (gnomAD). The available evidence is insufficient to determine the role of this variant in disease conclusively. Therefore, this variant is classified as a Variant of Uncertain Significance.

Ambry Genetics
Classification: Uncertain significance for Hereditary cancer-predisposing syndrome. Last evaluated: 2025-01-05. Review status: criteria provided, single submitter. Criteria: Ambry Variant Classification Scheme 2023. Collection method: clinical testing. Allele origin: germline.
Comment: The p.K1875R variant (also known as c.5624A>G), located in coding exon 10 of the BRCA2 gene, results from an A to G substitution at nucleotide position 5624. The lysine at codon 1875 is replaced by arginine, an amino acid with highly similar properties. This amino acid position is poorly conserved in available vertebrate species. In addition, this alteration is predicted to be tolerated by in silico analysis. Since supporting evidence is limited at this time, the clinical significance of this alteration remains unclear.

University of Washington Department of Laboratory Medicine, University of Washington
Classification: Likely benign for Hereditary cancer-predisposing syndrome. Last evaluated: 2023-03-23. Review status: criteria provided, single submitter. Criteria: Dines et al. (Genet Med. 2020). Collection method: curation. Allele origin: germline.
Comment: Missense variant in a coldspot region where missense variants are very unlikely to be pathogenic (PMID:31911673).

BRCA2 exon 11 coldspot. Reclassification based on statistical prior probability.

GeneDx
Classification: Uncertain significance. Last evaluated: 2016-01-11. Review status: criteria provided, single submitter. Criteria: GeneDx Variant Classification (06012015). Collection method: clinical testing. Allele origin: germline. Affected: yes.
Comment: This variant is denoted BRCA2 c.5624A>G at the cDNA level, p.Lys1875Arg (K1875R) at the protein level, and results in the change of a Lysine to an Arginine (AAG>AGG). Using alternate nomenclature, this variant would be defined as BRCA2 5852A>G. This variant has not, to our knowledge, been published in the literature as pathogenic or benign. BRCA2 Lys1875Arg was not observed in approximately 6,500 individuals of European and African American ancestry in the NHLBI Exome Sequencing Project, suggesting it is not a common benign variant in these populations. Since Lysine and Arginine share similar properties, this is considered a conservative amino acid substitution. BRCA2 Lys1875Arg occurs at a position that is not conserved and is not located in a known functional domain (Borg 2010). In silico analyses predict that this variant is unlikely to alter protein structure or function. Based on currently available evidence, it is unclear whether BRCA2 Lys1875Arg is a pathogenic or benign variant. We consider it to be a variant of uncertain significance.

Literature cited by the submitters: PubMed 34235180 (cited by Color Diagnostics, LLC DBA Color Health); PubMed 37013556 (cited by Color Diagnostics, LLC DBA Color Health).

NM_000059.4(BRCA2):c.5624A>G (p.Lys1875Arg)

Gene: BRCA2 (BRCA2 DNA repair associated; plus strand). Cytogenetic location: 13q13.1.
Variant type: single nucleotide variant.
Coding change: c.5624A>G on transcript NM_000059.4 (MANE Select); coding-DNA position 5624, A replaced by G.
Protein change: p.Lys1875Arg; replaces lysine 1875 with arginine.
Molecular consequence: missense variant.
Genome position (GRCh38, 1-based): chr13:32,339,979, A>G. VCF-style: chr13-32339979-A-G. GRCh37 (hg19) VCF-style: chr13-32914116-A-G.
Other names: short protein forms K1875R.
Identifiers: ClinVar variation 142607 (VCV000142607.17), dbSNP rs587782583, ClinGen allele CA022730.